The following is an entry in ClinVar:

ClinVar aggregate classification (germline): Uncertain significance (1 of 4 stars; one submission).

Conditions:
RASopathy. Also called: rasopathies; Noonan spectrum disorder. Identifiers: Orphanet 536391, MedGen C5555857, MONDO:0021060.

Submission:

Labcorp Genetics (formerly Invitae), Labcorp
Classification: Uncertain significance for RASopathy. Last evaluated: 2025-08-24. Review status: criteria provided, single submitter. Criteria: Invitae Variant Classification Sherloc (09022015). Collection method: clinical testing. Allele origin: germline.
Comment: This sequence change replaces isoleucine, which is neutral and non-polar, with serine, which is neutral and polar, at codon 634 of the RAF1 protein (p.Ile634Ser). This variant is not present in population databases (gnomAD no frequency). This variant has not been reported in the literature in individuals affected with RAF1-related conditions. Invitae Evidence Modeling incorporating data from in vitro experimental studies (internal data) did not meet the statistical confidence thresholds required to predict the impact of this variant on RAF1 function. In summary, the available evidence is currently insufficient to determine the role of this variant in disease. Therefore, it has been classified as a Variant of Uncertain Significance.

NM_002880.4(RAF1):c.1901T>G (p.Ile634Ser)

Gene: RAF1 (Raf-1 proto-oncogene, serine/threonine kinase; minus strand). Cytogenetic location: 3p25.2.
Variant type: single nucleotide variant.
Coding change: c.1901T>G on transcript NM_002880.4 (MANE Select); coding-DNA position 1901, T replaced by G.
Protein change: p.Ile634Ser; replaces isoleucine 634 with serine.
Molecular consequence: missense variant. On other transcripts: non-coding transcript variant (3).
Genome position (GRCh38, 1-based): chr3:12,584,560, A>C on the plus strand (T>G on the coding strand, the complement: RAF1 is on the minus strand). VCF-style: chr3-12584560-A-C. GRCh37 (hg19) VCF-style: chr3-12626059-A-C.
Other names: c.1961T>G, p.Ile654Ser (NM_001354689.3); c.1901T>G, p.Ile634Ser (NM_001354690.3); c.1658T>G, p.Ile553Ser (NM_001354691.3, NM_001354692.3); c.1802T>G, p.Ile601Ser (NM_001354693.3); c.1718T>G, p.Ile573Ser (NM_001354694.3); c.1559T>G, p.Ile520Ser (NM_001354695.3); short protein forms I634S, I654S, I520S, I601S, I573S, I553S.
Identifiers: ClinVar variation 4754318 (VCV004754318.1).